The following is an entry in ClinVar:

NM_000836.4(GRIN2D):c.762G>T (p.Glu254Asp)

Gene: GRIN2D (glutamate ionotropic receptor NMDA type subunit 2D; plus strand). Cytogenetic location: 19q13.33.
Variant type: single nucleotide variant.
Coding change: c.762G>T on transcript NM_000836.4 (MANE Select); coding-DNA position 762, G replaced by T.
Protein change: p.Glu254Asp; replaces glutamic acid 254 with aspartic acid.
Molecular consequence: missense variant.
Genome position (GRCh38, 1-based): chr19:48,405,030, G>T. VCF-style: chr19-48405030-G-T. GRCh37 (hg19) VCF-style: chr19-48908287-G-T.
Other names: short protein forms E254D.
Identifiers: ClinVar variation 2820829 (VCV002820829.3), dbSNP rs755027413, ClinGen allele CA9550387.
Genomic context (GRCh38, chr19:48,405,030, plus strand): 5'-CCAGCTCCGCAGTGTCAGCGCGCAGATCCGCCTGCTCTTCTGCGCCCGAGAGGAGGCCGA[G>T]CCCGTGTTCCGCGCAGCTGAGGAGGCTGGCCTCACTGGATCTGGCTACGTCTGGTTCATG-3'
Protein context (NP_000827.2, residues 244-264): RLLFCAREEA[Glu254Asp]PVFRAAEEAG

ClinVar aggregate classification (germline): Uncertain significance (1 of 4 stars; one submission).

Allele frequency attached by ClinVar (database versions not stated): ExAC 0.00001.
gnomAD v4.1: 1 of 1,612,010 alleles (0.000062%); highest among the groups gnomAD compares: Non-Finnish European, 0.000085%; no homozygotes.

Submission:

Labcorp Genetics (formerly Invitae), Labcorp
Classification: Uncertain significance. Last evaluated: 2023-07-13. Review status: criteria provided, single submitter. Criteria: Invitae Variant Classification Sherloc (09022015). Collection method: clinical testing. Allele origin: germline.
Comment: In summary, the available evidence is currently insufficient to determine the role of this variant in disease. Therefore, it has been classified as a Variant of Uncertain Significance. Advanced modeling of protein sequence and biophysical properties (such as structural, functional, and spatial information, amino acid conservation, physicochemical variation, residue mobility, and thermodynamic stability) performed at Invitae indicates that this missense variant is not expected to disrupt GRIN2D protein function. This variant has not been reported in the literature in individuals affected with GRIN2D-related conditions. The frequency data for this variant in the population databases is considered unreliable, as metrics indicate poor data quality at this position in the gnomAD database. This sequence change replaces glutamic acid, which is acidic and polar, with aspartic acid, which is acidic and polar, at codon 254 of the GRIN2D protein (p.Glu254Asp).